The following is an entry in ClinVar:

ClinVar aggregate classification (germline): Uncertain significance (1 of 4 stars; one submission).

Conditions:
Capillary malformation-arteriovenous malformation syndrome. Also called: Capillary malformation-arteriovenous malformation. Identifiers: Orphanet 137667, MedGen C1842180, MONDO:0012016.

Submission:

Labcorp Genetics (formerly Invitae), Labcorp
Classification: Uncertain significance for Capillary malformation-arteriovenous malformation syndrome. Last evaluated: 2023-07-07. Review status: criteria provided, single submitter. Criteria: Invitae Variant Classification Sherloc (09022015). Collection method: clinical testing. Allele origin: germline.
Comment: An algorithm developed to predict the effect of missense changes on protein structure and function (PolyPhen-2) suggests that this variant is likely to be disruptive. This sequence change replaces phenylalanine, which is neutral and non-polar, with leucine, which is neutral and non-polar, at codon 690 of the RASA1 protein (p.Phe690Leu). This variant is not present in population databases (gnomAD no frequency). This variant has not been reported in the literature in individuals affected with RASA1-related conditions. In summary, the available evidence is currently insufficient to determine the role of this variant in disease. Therefore, it has been classified as a Variant of Uncertain Significance.

NM_002890.3(RASA1):c.2070T>A (p.Phe690Leu)

Genes: CCNH (cyclin H; minus strand), RASA1 (RAS p21 protein activator 1; plus strand). Cytogenetic location: 5q14.3.
Variant type: single nucleotide variant.
Coding change: c.2070T>A on transcript NM_002890.3 (MANE Select); coding-DNA position 2070, T replaced by A.
Protein change: p.Phe690Leu; replaces phenylalanine 690 with leucine.
Molecular consequence: missense variant. On other transcripts: intron variant (1).
Genome position (GRCh38, 1-based): chr5:87,376,451, T>A. VCF-style: chr5-87376451-T-A. GRCh37 (hg19) VCF-style: chr5-86672268-T-A.
Other names: c.1539T>A, p.Phe513Leu (NM_022650.3); c.933+18593A>T (NM_001364075.2); short protein forms F513L, F690L.
Identifiers: ClinVar variation 2730995 (VCV002730995.3), dbSNP rs2531347558, ClinGen allele CA360378709.
Genomic context (GRCh38, chr5:87,376,451, plus strand): 5'-AGTATTTATGCGCTGCCAGTTGAGCCGATTACAGAAAGGGCATGCCACAGATGAATGGTT[T>A]CTGCTCAGCTCCCATATACCATTAAAAGGTATTGAACCAGGGTCCCTGCGTGTTCGAGCA-3'
Protein context (NP_002881.1, residues 680-700): LQKGHATDEW[Phe690Leu]LLSSHIPLKG